The following is an entry in ClinVar:

NM_001701.4(BAAT):c.685G>A (p.Val229Ile)

Gene: BAAT (bile acid-CoA:amino acid N-acyltransferase; minus strand). Cytogenetic location: 9q31.1.
Variant type: single nucleotide variant.
Coding change: c.685G>A on transcript NM_001701.4 (MANE Select); coding-DNA position 685, G replaced by A.
Protein change: p.Val229Ile; replaces valine 229 with isoleucine.
Molecular consequence: missense variant.
Genome position (GRCh38, 1-based): chr9:101,363,000, C>T on the plus strand (G>A on the coding strand, the complement: BAAT is on the minus strand). VCF-style: chr9-101363000-C-T. GRCh37 (hg19) VCF-style: chr9-104125282-C-T.
Other names: c.685G>A (NM_001701.3); c.685G>A, p.Val229Ile (NM_001127610.2, NM_001374715.1); short protein forms V229I.
Identifiers: ClinVar variation 593651 (VCV000593651.13), dbSNP rs141722672, ClinGen allele CA5160653.

ClinVar aggregate classification (germline): Conflicting classifications of pathogenicity. Review status: criteria provided, conflicting classifications (1 of 4 stars). 5 submissions from 5 submitters: Uncertain significance (2); Likely benign (2). 1 of the submissions does not count toward it. Last evaluated 2025-07-12.

Conditions:
BAAT-related disorder. Also called: BAAT-related condition.
Bile acid conjugation defect 1. Also called: HYPERCHOLANEMIA, FAMILIAL 3. Identifiers: MedGen C5543203, MONDO:0030991, OMIM 619232.

Allele frequency attached by ClinVar (database versions not stated): TOPMed 0.00087; gnomAD exomes 0.00008 and 0.00022; ExAC 0.00023; ESP Exome Variant Server 0.00054; 1000 Genomes Project 30x 0.00062; gnomAD 0.00064 and 0.00070; 1000 Genomes Project 0.00080.

Submissions (5):

Ambry Genetics
Classification: Likely benign. Last evaluated: 2025-07-12. Review status: criteria provided, single submitter. Criteria: Ambry Variant Classification Scheme 2023. Collection method: clinical testing. Allele origin: germline.

Labcorp Genetics (formerly Invitae), Labcorp
Classification: Likely benign. Last evaluated: 2024-10-25. Review status: criteria provided, single submitter. Criteria: Invitae Variant Classification Sherloc (09022015). Collection method: clinical testing. Allele origin: germline.

Fulgent Genetics
Classification: Uncertain significance for Bile acid conjugation defect 1. Last evaluated: 2021-11-22. Review status: criteria provided, single submitter. Criteria: ACMG Guidelines, 2015. Collection method: clinical testing. Allele origin: unknown.

Eurofins Ntd Llc (ga)
Classification: Uncertain significance. Last evaluated: 2018-03-19. Review status: criteria provided, single submitter. Criteria: EGL ClinVar v180209 classification definitions. Collection method: clinical testing. Allele origin: germline. Observed: 2 variant alleles, 2 heterozygotes.

PreventionGenetics, part of Exact Sciences
Classification: Likely benign for BAAT-related condition. Last evaluated: 2022-02-28. Review status: no assertion criteria provided. Collection method: clinical testing. Allele origin: germline. Not counted in ClinVar's aggregate classification.
Comment: This variant is classified as likely benign based on ACMG/AMP sequence variant interpretation guidelines (Richards et al. 2015 PMID: 25741868, with internal and published modifications).